The following is an entry in ClinVar:

NM_004519.4(KCNQ3):c.2323T>C (p.Ser775Pro)

Gene: KCNQ3 (potassium voltage-gated channel subfamily Q member 3; minus strand). Cytogenetic location: 8q24.22.
Variant type: single nucleotide variant.
Coding change: c.2323T>C on transcript NM_004519.4 (MANE Select); coding-DNA position 2323, T replaced by C.
Protein change: p.Ser775Pro; replaces serine 775 with proline.
Molecular consequence: missense variant.
Genome position (GRCh38, 1-based): chr8:132,129,558, A>G on the plus strand (T>C on the coding strand, the complement: KCNQ3 is on the minus strand). VCF-style: chr8-132129558-A-G. GRCh37 (hg19) VCF-style: chr8-133141805-A-G.
Other names: c.1963T>C, p.Ser655Pro (NM_001204824.2); short protein forms S775P, S655P.
Identifiers: ClinVar variation 3637103 (VCV003637103.2).

ClinVar aggregate classification (germline): Uncertain significance (1 of 4 stars; one submission).

Conditions:
Benign neonatal seizures. Also called: Benign familial neonatal seizures; Convulsions benign familial neonatal dominant form; Autosomal dominant form of benign neonatal seizures; Benign neonatal familial convulsions; Benign familial neonatal epilepsy. Identifiers: Orphanet 1949, MedGen C0220669, MONDO:0016027.

Submission:

Labcorp Genetics (formerly Invitae), Labcorp
Classification: Uncertain significance for Benign neonatal seizures. Last evaluated: 2024-06-04. Review status: criteria provided, single submitter. Criteria: Invitae Variant Classification Sherloc (09022015). Collection method: clinical testing. Allele origin: germline.
Comment: This sequence change replaces serine, which is neutral and polar, with proline, which is neutral and non-polar, at codon 775 of the KCNQ3 protein (p.Ser775Pro). This variant is not present in population databases (gnomAD no frequency). This variant has not been reported in the literature in individuals affected with KCNQ3-related conditions. Advanced modeling of protein sequence and biophysical properties (such as structural, functional, and spatial information, amino acid conservation, physicochemical variation, residue mobility, and thermodynamic stability) performed at Invitae indicates that this missense variant is not expected to disrupt KCNQ3 protein function with a negative predictive value of 95%. In summary, the available evidence is currently insufficient to determine the role of this variant in disease. Therefore, it has been classified as a Variant of Uncertain Significance.